The following is an entry in ClinVar:

NM_001040108.2(MLH3):c.3881C>A (p.Thr1294Asn)

Gene: MLH3 (mutL homolog 3; minus strand). Cytogenetic location: 14q24.3.
Variant type: single nucleotide variant.
Coding change: c.3881C>A on transcript NM_001040108.2 (MANE Select); coding-DNA position 3881, C replaced by A.
Protein change: p.Thr1294Asn; replaces threonine 1294 with asparagine.
Molecular consequence: missense variant.
Genome position (GRCh38, 1-based): chr14:75,030,649, G>T on the plus strand (C>A on the coding strand, the complement: MLH3 is on the minus strand). VCF-style: chr14-75030649-G-T. GRCh37 (hg19) VCF-style: chr14-75497352-G-T.
Other names: c.3809C>A, p.Thr1270Asn (NM_014381.3); short protein forms T1270N, T1294N.
Identifiers: ClinVar variation 4108664 (VCV004108664.1).

ClinVar aggregate classification (germline): Uncertain significance (1 of 4 stars; one submission).

Submission:

Ambry Genetics
Classification: Uncertain significance. Last evaluated: 2025-08-12. Review status: criteria provided, single submitter. Criteria: Ambry Variant Classification Scheme 2023. Collection method: clinical testing. Allele origin: germline.
Comment: The p.T1294N variant (also known as c.3881C>A), located in coding exon 8 of the MLH3 gene, results from a C to A substitution at nucleotide position 3881. The threonine at codon 1294 is replaced by asparagine, an amino acid with similar properties. This amino acid position is conserved. In addition, this alteration is predicted to be tolerated by in silico analysis. Based on the available evidence, the clinical significance of this variant remains unclear.